The following is an entry in ClinVar:

ClinVar aggregate classification (germline): Uncertain significance. Review status: criteria provided, multiple submitters, no conflicts (2 of 4 stars). 2 submissions from 2 submitters: Uncertain significance (2). Last evaluated 2025-01-10.

gnomAD v4.1: 7 of 1,452,990 alleles (0.00048%); highest among the groups gnomAD compares: Non-Finnish European, 0.00063%; no homozygotes.

Submissions (2):

Ambry Genetics
Classification: Uncertain significance. Last evaluated: 2025-01-10. Review status: criteria provided, single submitter. Criteria: Ambry Variant Classification Scheme 2023. Collection method: clinical testing. Allele origin: germline.

Labcorp Genetics (formerly Invitae), Labcorp
Classification: Uncertain significance. Last evaluated: 2022-10-17. Review status: criteria provided, single submitter. Criteria: Invitae Variant Classification Sherloc (09022015). Collection method: clinical testing. Allele origin: germline.
Comment: Algorithms developed to predict the effect of missense changes on protein structure and function (SIFT, PolyPhen-2, Align-GVGD) all suggest that this variant is likely to be disruptive. This sequence change replaces tryptophan, which is neutral and slightly polar, with leucine, which is neutral and non-polar, at codon 514 of the FSCN2 protein (p.Trp514Leu). This variant is not present in population databases (gnomAD no frequency). This variant has not been reported in the literature in individuals affected with FSCN2-related conditions. In summary, the available evidence is currently insufficient to determine the role of this variant in disease. Therefore, it has been classified as a Variant of Uncertain Significance.

NM_012418.4(FSCN2):c.1469G>T (p.Trp490Leu)

Gene: FSCN2 (fascin actin-bundling protein 2, retinal; plus strand). Cytogenetic location: 17q25.3.
Variant type: single nucleotide variant.
Coding change: c.1469G>T on transcript NM_012418.4 (MANE Select); coding-DNA position 1469, G replaced by T.
Protein change: p.Trp490Leu; replaces tryptophan 490 with leucine.
Molecular consequence: missense variant.
Genome position (GRCh38, 1-based): chr17:81,537,070, G>T. VCF-style: chr17-81537070-G-T. GRCh37 (hg19) VCF-style: chr17-79504096-G-T.
Other names: c.1541G>T (NM_001077182.2); c.1541G>T, p.Trp514Leu (NM_001077182.3); short protein forms W490L, W514L.
Identifiers: ClinVar variation 1967048 (VCV001967048.6), dbSNP rs2544456440, ClinGen allele CA401479272.